The following is an entry in ClinVar:

NM_017780.4(CHD7):c.5894+1G>A

Gene: CHD7 (chromodomain helicase DNA binding protein 7; plus strand). Cytogenetic location: 8q12.2.
Variant type: single nucleotide variant.
Coding change: c.5894+1G>A on transcript NM_017780.4 (MANE Select); the canonical splice donor site of the intron after coding-DNA position 5894, G replaced by A.
Molecular consequence: splice donor variant. On other transcripts: intron variant (1).
Genome position (GRCh38, 1-based): chr8:60,852,248, G>A. VCF-style: chr8-60852248-G-A. GRCh37 (hg19) VCF-style: chr8-61764807-G-A.
Other names: c.1717-9981G>A (NM_001316690.1).
Identifiers: ClinVar variation 3254567 (VCV003254567.1), dbSNP rs2488032118.

ClinVar aggregate classification (germline): Pathogenic (1 of 4 stars; one submission).

Conditions:
CHARGE syndrome (CHARGE). Also called: Hittner Hirsch Kreh syndrome; CHARGE ASSOCIATION--COLOBOMA, HEART ANOMALY, CHOANAL ATRESIA, RETARDATION, GENITAL AND EAR ANOMALIES; Coloboma, heart anomaly, choanal atresia, retardation, genital and ear anomalies; CHARGE association; Hall-Hittner syndrome. Identifiers: Orphanet 138, MedGen C0265354, MONDO:0008965.

Submission:

Victorian Clinical Genetics Services, Murdoch Childrens Research Institute
Classification: Pathogenic for CHD7-related CHARGE syndrome. Last evaluated: 2022-06-24. Review status: criteria provided, single submitter. Criteria: ACMG Guidelines, 2015. Collection method: clinical testing. Allele origin: germline. Inheritance: Autosomal dominant inheritance. Affected: yes.
Comment: Based on the classification scheme VCGS_Germline_v1.3.4, this variant is classified as Pathogenic. Following criteria are met: 0102 - Loss of function is a known mechanism of disease in this gene and is associated with CHARGE syndrome (MIM#214800) and hypogonadotropic hypogonadism 5 with or without anosmia (MIM#612370). (I) 0107 - This gene is associated with autosomal dominant disease. (I) 0211 - Canonical splice site variant without proven consequence on splicing (no functional evidence available). (SP) 0251 - This variant is heterozygous. (I) 0301 - Variant is absent from gnomAD (both v2 and v3). (SP) 0505 - Abnormal splicing is predicted by in silico tools and affected nucleotide is highly conserved. (SP) 0703 - Other splice variants comparable to the one identified in this case have moderate previous evidence for pathogenicity. One variant (c.5894+3_5894+4del) was observed as de novo in an individual with atrioventricular canal defect, cleft lip and palate, and omphalocele (DECIPHER). Another variant (c.5894+5G>A) was likely pathogenic and de novo (ClinVar), but called a VUS in another individual with CHARGE syndrome in an older publication (PMID: 21158681). (SP) 0803 - This variant has limited previous evidence of pathogenicity in an unrelated individual. This variant has been observed in an individual with CHARGE syndrome, where alternative nomenclature is used (c.5893+1G>A; PMID: 16155193). (SP) 0905 - No published segregation evidence has been identified for this variant. (I) 1007 - No published functional evidence has been identified for this variant. (I) 1102 - Strong phenotype match for this individual. (SP) Legend: (SP) - Supporting pathogenic, (I) - Information, (SB) - Supporting benign

Literature cited by the submitters: PubMed 16155193; PubMed 21158681.